The following is an entry in ClinVar:

ClinVar aggregate classification (germline): Pathogenic (1 of 4 stars; one submission).

Conditions:
Familial cancer of breast. Also called: Hereditary breast cancer; BREAST CANCER, FAMILIAL; hereditary breast carcinoma. Identifiers: Orphanet 227535, MedGen C0346153, MONDO:0016419, OMIM 114480. Disease mechanism: loss of function.

Submission:

Myriad Genetics, Inc.
Classification: Pathogenic for Familial cancer of breast. Last evaluated: 2023-05-18. Review status: criteria provided, single submitter. Criteria: Myriad Autosomal Dominant, Autosomal Recessive and X-Linked Classification Criteria (2023). Collection method: clinical testing. Allele origin: unknown.
Comment: This variant is considered pathogenic. This variant creates a frameshift predicted to result in premature protein truncation.

NM_000465.4(BARD1):c.433_435delinsTA (p.Met145fs)

Gene: BARD1 (BRCA1 associated RING domain 1; minus strand). Cytogenetic location: 2q35.
Variant type: Indel.
Coding change: c.433_435delinsTA on transcript NM_000465.4 (MANE Select); coding-DNA positions 433 to 435, ATG replaced by TA.
Protein change: p.Met145fs; shifts the reading frame from methionine 145.
Molecular consequence: frameshift variant. On other transcripts: non-coding transcript variant (2), intron variant (3).
Genome position (GRCh38, 1-based): chr2:214,781,439-214,781,441, CAT replaced by TA on the plus strand (ATG replaced by TA on the coding strand, the reverse complement: BARD1 is on the minus strand). VCF-style: chr2-214781439-CAT-TA. GRCh37 (hg19) VCF-style: chr2-215646163-CAT-TA.
Other names: c.376_378delinsTA, p.Met126fs (NM_001282543.2); c.158+27971_158+27973delinsTA (NM_001282548.2); c.215+15620_215+15622delinsTA (NM_001282545.2); c.364+10856_364+10858delinsTA (NM_001282549.2); short protein forms M126fs, M145fs.
Identifiers: ClinVar variation 2583607 (VCV002583607.2), dbSNP rs2469513625, ClinGen allele CA2582342114.